The following is an entry in ClinVar:

ClinVar aggregate classification (germline): Uncertain significance. Review status: criteria provided, multiple submitters, no conflicts (2 of 4 stars). 4 submissions from 4 submitters: Uncertain significance (3). 1 of the submissions does not count toward it. Last evaluated 2022-08-23.

Conditions:
Autosomal recessive limb-girdle muscular dystrophy type 2C (LGMDR5). Also called: MUSCULAR DYSTROPHY, DUCHENNE-LIKE; MUSCULAR DYSTROPHY, LIMB-GIRDLE, AUTOSOMAL RECESSIVE 5. Identifiers: Orphanet 353, MedGen C0410173, MONDO:0009677, OMIM 253700. Disease mechanism: Affects gamma-sarcoglycan and also disrupts the integrity of the entire sarcoglycan complex..

Allele frequency attached by ClinVar (database versions not stated): gnomAD exomes 0.00002; ExAC 0.00003; gnomAD 0.00006; ESP Exome Variant Server 0.00008; TOPMed 0.00011; 1000 Genomes Project 30x 0.00016; 1000 Genomes Project 0.00020.
gnomAD v4.1: 33 of 1,613,248 alleles (0.002%); highest among the groups gnomAD compares: African/African-American, 0.025%; no homozygotes.

Submissions (4):

Labcorp Genetics (formerly Invitae), Labcorp
Classification: Uncertain significance for Autosomal recessive limb-girdle muscular dystrophy type 2C. Last evaluated: 2022-08-23. Review status: criteria provided, single submitter. Criteria: Invitae Variant Classification Sherloc (09022015). Collection method: clinical testing. Allele origin: germline.
Comment: This sequence change replaces aspartic acid, which is acidic and polar, with asparagine, which is neutral and polar, at codon 146 of the SGCG protein (p.Asp146Asn). This variant is present in population databases (rs373442790, gnomAD 0.02%). This variant has not been reported in the literature in individuals affected with SGCG-related conditions. ClinVar contains an entry for this variant (Variation ID: 461623). Algorithms developed to predict the effect of missense changes on protein structure and function output the following: SIFT: "Tolerated"; PolyPhen-2: "Benign"; Align-GVGD: "Class C0". The asparagine amino acid residue is found in multiple mammalian species, which suggests that this missense change does not adversely affect protein function. In summary, the available evidence is currently insufficient to determine the role of this variant in disease. Therefore, it has been classified as a Variant of Uncertain Significance.

Fulgent Genetics
Classification: Uncertain significance for Autosomal recessive limb-girdle muscular dystrophy type 2C. Last evaluated: 2021-10-29. Review status: criteria provided, single submitter. Criteria: ACMG Guidelines, 2015. Collection method: clinical testing. Allele origin: unknown.

Eurofins Ntd Llc (ga)
Classification: Uncertain significance. Last evaluated: 2017-11-29. Review status: criteria provided, single submitter. Criteria: EGL Classification Definitions 2015. Collection method: clinical testing. Allele origin: germline. Observed: 1 variant allele, 1 heterozygote.

Natera, Inc.
Classification: Uncertain significance for Limb-girdle muscular dystrophy type 2C. Last evaluated: 2020-09-16. Review status: no assertion criteria provided. Collection method: clinical testing. Allele origin: germline. Not counted in ClinVar's aggregate classification.

NM_000231.3(SGCG):c.436G>A (p.Asp146Asn)

Gene: SGCG (sarcoglycan gamma; plus strand). Cytogenetic location: 13q12.12.
Variant type: single nucleotide variant.
Coding change: c.436G>A on transcript NM_000231.3 (MANE Select); coding-DNA position 436, G replaced by A.
Protein change: p.Asp146Asn; replaces aspartic acid 146 with asparagine.
Molecular consequence: missense variant.
Genome position (GRCh38, 1-based): chr13:23,279,409, G>A. VCF-style: chr13-23279409-G-A. GRCh37 (hg19) VCF-style: chr13-23853548-G-A.
Other names: c.490G>A, p.Asp164Asn (NM_001378244.1); c.436G>A, p.Asp146Asn (NM_001378245.1, NM_001378246.1); short protein forms D146N, D164N.
Identifiers: ClinVar variation 461623 (VCV000461623.10), dbSNP rs373442790, ClinGen allele CA6909691.
Genomic context (GRCh38, chr13:23,279,409, plus strand): 5'-AATTCTTCAGGTCCCAAAATGGTAGAAGTCCAGAATCAACAGTTTCAGATCAACTCCAAC[G>A]ACGGCAAGCCACTATTTACTGTAGATGAGAAGGAAGTTGTGGTTGGTACAGATAAACTTC-3'
Protein context (NP_000222.2, residues 136-156): QNQQFQINSN[Asp146Asn]GKPLFTVDEK